The following is an entry in ClinVar:

NM_001100913.3(PACS2):c.2047T>A (p.Ser683Thr)

Gene: PACS2 (phosphofurin acidic cluster sorting protein 2; plus strand). Cytogenetic location: 14q32.33.
Variant type: single nucleotide variant.
Coding change: c.2047T>A on transcript NM_001100913.3 (MANE Select); coding-DNA position 2047, T replaced by A.
Protein change: p.Ser683Thr; replaces serine 683 with threonine.
Molecular consequence: missense variant.
Genome position (GRCh38, 1-based): chr14:105,389,974, T>A. VCF-style: chr14-105389974-T-A. GRCh37 (hg19) VCF-style: chr14-105856311-T-A.
Other names: c.1777T>A, p.Ser593Thr (NM_001243127.3); c.2002T>A, p.Ser668Thr (NM_015197.4); short protein forms S593T, S668T, S683T.
Identifiers: ClinVar variation 1901471 (VCV001901471.5), dbSNP rs1555414465, ClinGen allele CA391184964.

ClinVar aggregate classification (germline): Uncertain significance (1 of 4 stars; one submission).

gnomAD v4.1: 2 of 1,613,840 alleles (0.00012%); highest among the groups gnomAD compares: Non-Finnish European, 0.00017%; no homozygotes.

Submission:

Labcorp Genetics (formerly Invitae), Labcorp
Classification: Uncertain significance. Last evaluated: 2025-07-30. Review status: criteria provided, single submitter. Criteria: Invitae Variant Classification Sherloc (09022015). Collection method: clinical testing. Allele origin: germline.
Comment: This sequence change replaces serine, which is neutral and polar, with threonine, which is neutral and polar, at codon 683 of the PACS2 protein (p.Ser683Thr). This variant is present in population databases (no rsID available, gnomAD 0.0009%). This variant has not been reported in the literature in individuals affected with PACS2-related conditions. ClinVar contains an entry for this variant (Variation ID: 1901471). Invitae Evidence Modeling of protein sequence and biophysical properties (such as structural, functional, and spatial information, amino acid conservation, physicochemical variation, residue mobility, and thermodynamic stability) has been performed for this missense variant. However, the output from this modeling did not meet the statistical confidence thresholds required to predict the impact of this variant on PACS2 protein function. In summary, the available evidence is currently insufficient to determine the role of this variant in disease. Therefore, it has been classified as a Variant of Uncertain Significance.